The following is an entry in ClinVar:

ClinVar aggregate classification (germline): Uncertain significance (1 of 4 stars; one submission).

Conditions:
Progressive myoclonic epilepsy type 7. Identifiers: Orphanet 435438, MedGen C4015420, MONDO:0014521, OMIM 616187.

gnomAD v4.1: 2 of 1,511,928 alleles (0.00013%); highest among the groups gnomAD compares: Non-Finnish European, 0.000088%; no homozygotes.

Submission:

Labcorp Genetics (formerly Invitae), Labcorp
Classification: Uncertain significance for Progressive myoclonic epilepsy type 7. Last evaluated: 2022-03-03. Review status: criteria provided, single submitter. Criteria: Invitae Variant Classification Sherloc (09022015). Collection method: clinical testing. Allele origin: germline.
Comment: This variant is not present in population databases (gnomAD no frequency). This sequence change replaces glutamic acid, which is acidic and polar, with glutamine, which is neutral and polar, at codon 6 of the KCNC1 protein (p.Glu6Gln). This variant has not been reported in the literature in individuals affected with KCNC1-related conditions. Advanced modeling of protein sequence and biophysical properties (such as structural, functional, and spatial information, amino acid conservation, physicochemical variation, residue mobility, and thermodynamic stability) performed at Invitae indicates that this missense variant is not expected to disrupt KCNC1 protein function. In summary, the available evidence is currently insufficient to determine the role of this variant in disease. Therefore, it has been classified as a Variant of Uncertain Significance.

NM_001112741.2(KCNC1):c.16G>C (p.Glu6Gln)

Gene: KCNC1 (potassium voltage-gated channel subfamily C member 1; plus strand). Cytogenetic location: 11p15.1.
Variant type: single nucleotide variant.
Coding change: c.16G>C on transcript NM_001112741.2 (MANE Select); coding-DNA position 16, G replaced by C.
Protein change: p.Glu6Gln; replaces glutamic acid 6 with glutamine.
Molecular consequence: missense variant.
Genome position (GRCh38, 1-based): chr11:17,736,018, G>C. VCF-style: chr11-17736018-G-C. GRCh37 (hg19) VCF-style: chr11-17757565-G-C.
Other names: c.16G>C, p.Glu6Gln (NM_004976.4); short protein forms E6Q.
Identifiers: ClinVar variation 1478478 (VCV001478478.6), dbSNP rs2133773929, ClinGen allele CA379798404.